The following is an entry in ClinVar:

ClinVar aggregate classification (germline): Uncertain significance. Review status: criteria provided, multiple submitters, no conflicts (2 of 4 stars). 2 submissions from 2 submitters: Uncertain significance (2). Last evaluated 2025-02-02.

Conditions:
Left ventricular noncompaction 8 (LVNC8). Identifiers: Orphanet 154, Orphanet 54260, MedGen C3809288, MONDO:0014152, OMIM 615373.

Allele frequency attached by ClinVar (database versions not stated): gnomAD exomes 0.00006; ESP Exome Variant Server 0.00008; TOPMed 0.00009; ExAC 0.00010; gnomAD 0.00013 and 0.00014.
gnomAD v4.1: 122 of 1,613,736 alleles (0.0076%); highest among the groups gnomAD compares: African/African-American, 0.02%; no homozygotes.

Submissions (2):

Labcorp Genetics (formerly Invitae), Labcorp
Classification: Uncertain significance for Left ventricular noncompaction 8. Last evaluated: 2025-02-02. Review status: criteria provided, single submitter. Criteria: Invitae Variant Classification Sherloc (09022015). Collection method: clinical testing. Allele origin: germline.
Comment: This sequence change replaces glycine, which is neutral and non-polar, with serine, which is neutral and polar, at codon 1182 of the PRDM16 protein (p.Gly1182Ser). This variant is present in population databases (rs201703870, gnomAD 0.02%). This variant has not been reported in the literature in individuals affected with PRDM16-related conditions. ClinVar contains an entry for this variant (Variation ID: 657709). An algorithm developed to predict the effect of missense changes on protein structure and function outputs the following: PolyPhen-2: "Benign". The serine amino acid residue is found in multiple mammalian species, which suggests that this missense change does not adversely affect protein function. In summary, the available evidence is currently insufficient to determine the role of this variant in disease. Therefore, it has been classified as a Variant of Uncertain Significance.

GeneDx
Classification: Uncertain significance. Last evaluated: 2022-03-16. Review status: criteria provided, single submitter. Criteria: GeneDx Variant Classification Process June 2021. Collection method: clinical testing. Allele origin: germline. Affected: yes.
Comment: Has not been previously published as pathogenic or benign to our knowledge; In silico analysis supports that this missense variant does not alter protein structure/function; This variant is associated with the following publications: (PMID: 26582918)

NM_022114.4(PRDM16):c.3544G>A (p.Gly1182Ser)

Gene: PRDM16 (PR/SET domain 16; plus strand). Cytogenetic location: 1p36.32.
Variant type: single nucleotide variant.
Coding change: c.3544G>A on transcript NM_022114.4 (MANE Select); coding-DNA position 3544, G replaced by A.
Protein change: p.Gly1182Ser; replaces glycine 1182 with serine.
Molecular consequence: missense variant.
Genome position (GRCh38, 1-based): chr1:3,431,988, G>A. VCF-style: chr1-3431988-G-A. GRCh37 (hg19) VCF-style: chr1-3348552-G-A.
Other names: c.3544G>A, p.Gly1182Ser (NM_199454.3); short protein forms G1182S.
Identifiers: ClinVar variation 657709 (VCV000657709.8), dbSNP rs201703870, ClinGen allele CA544910.